The following is an entry in ClinVar:

NM_018249.6(CDK5RAP2):c.5639G>A (p.Gly1880Glu)

Gene: CDK5RAP2 (CDK5 regulatory subunit associated protein 2; minus strand). Cytogenetic location: 9q33.2.
Variant type: single nucleotide variant.
Coding change: c.5639G>A on transcript NM_018249.6 (MANE Select); coding-DNA position 5639, G replaced by A.
Protein change: p.Gly1880Glu; replaces glycine 1880 with glutamic acid.
Molecular consequence: missense variant. On other transcripts: non-coding transcript variant (5).
Genome position (GRCh38, 1-based): chr9:120,389,279, C>T on the plus strand (G>A on the coding strand, the complement: CDK5RAP2 is on the minus strand). VCF-style: chr9-120389279-C-T. GRCh37 (hg19) VCF-style: chr9-123151557-C-T.
Other names: c.5402G>A, p.Gly1801Glu (NM_001011649.3); c.4949G>A, p.Gly1650Glu (NM_001272039.2); c.5540G>A, p.Gly1847Glu (NM_001410992.1); c.5543G>A, p.Gly1848Glu (NM_001410993.1); c.5636G>A, p.Gly1879Glu (NM_001410994.1); short protein forms G1650E, G1801E, G1847E, G1848E, G1879E, G1880E.
Identifiers: ClinVar variation 3610103 (VCV003610103.2).

ClinVar aggregate classification (germline): Uncertain significance (1 of 4 stars; one submission).

gnomAD v4.1: 3 of 1,612,202 alleles (0.00019%); highest among the groups gnomAD compares: Non-Finnish European, 0.00025%; no homozygotes.

Submission:

Labcorp Genetics (formerly Invitae), Labcorp
Classification: Uncertain significance. Last evaluated: 2024-07-22. Review status: criteria provided, single submitter. Criteria: Invitae Variant Classification Sherloc (09022015). Collection method: clinical testing. Allele origin: germline.
Comment: This sequence change replaces glycine, which is neutral and non-polar, with glutamic acid, which is acidic and polar, at codon 1880 of the CDK5RAP2 protein (p.Gly1880Glu). This variant is not present in population databases (gnomAD no frequency). This variant has not been reported in the literature in individuals affected with CDK5RAP2-related conditions. An algorithm developed to predict the effect of missense changes on protein structure and function (PolyPhen-2) suggests that this variant is likely to be disruptive. In summary, the available evidence is currently insufficient to determine the role of this variant in disease. Therefore, it has been classified as a Variant of Uncertain Significance.